The following is an entry in ClinVar:

ClinVar aggregate classification (germline): Uncertain significance (1 of 4 stars; one submission).

gnomAD v4.1: 9 of 1,612,998 alleles (0.00056%); highest among the groups gnomAD compares: African/African-American, 0.0053%; no homozygotes.

Submission:

GeneDx
Classification: Uncertain significance. Last evaluated: 2025-05-17. Review status: criteria provided, single submitter. Criteria: GeneDx Variant Classification Process June 2021. Collection method: clinical testing. Allele origin: germline. Affected: yes.
Comment: In silico analysis suggests that this missense variant does not alter protein structure/function; Has not been previously published as pathogenic or benign to our knowledge

NM_016239.4(MYO15A):c.3457C>T (p.Arg1153Cys)

Gene: MYO15A (myosin XVA; plus strand). Cytogenetic location: 17p11.2.
Variant type: single nucleotide variant.
Coding change: c.3457C>T on transcript NM_016239.4 (MANE Select); coding-DNA position 3457, C replaced by T.
Protein change: p.Arg1153Cys; replaces arginine 1153 with cysteine.
Molecular consequence: missense variant.
Genome position (GRCh38, 1-based): chr17:18,122,257, C>T. VCF-style: chr17-18122257-C-T. GRCh37 (hg19) VCF-style: chr17-18025571-C-T.
Other names: short protein forms R1153C.
Identifiers: ClinVar variation 4529636 (VCV004529636.1).